The following is an entry in ClinVar:

NM_001322934.2(NFKB2):c.613T>C (p.Phe205Leu)

Gene: NFKB2 (nuclear factor kappa B subunit 2; plus strand). Cytogenetic location: 10q24.32.
Variant type: single nucleotide variant.
Coding change: c.613T>C on transcript NM_001322934.2 (MANE Select); coding-DNA position 613, T replaced by C.
Protein change: p.Phe205Leu; replaces phenylalanine 205 with leucine.
Molecular consequence: missense variant.
Genome position (GRCh38, 1-based): chr10:102,397,637, T>C. VCF-style: chr10-102397637-T-C. GRCh37 (hg19) VCF-style: chr10-104157394-T-C.
Other names: c.613T>C, p.Phe205Leu (NM_001077494.3, NM_001261403.3, NM_001288724.1 and 2 more transcripts); short protein forms F205L.
Identifiers: ClinVar variation 1307692 (VCV001307692.2), dbSNP rs2135431157, ClinGen allele CA377897100.

ClinVar aggregate classification (germline): Uncertain significance (1 of 4 stars; one submission).

Allele frequency attached by ClinVar (database versions not stated): gnomAD exomes below 0.00001.
gnomAD v4.1: 2 of 1,613,728 alleles (0.00012%); highest among the groups gnomAD compares: Admixed American, 0.0033%; no homozygotes.

Submission:

GeneDx
Classification: Uncertain significance. Last evaluated: 2019-08-20. Review status: criteria provided, single submitter. Criteria: GeneDx Variant Classification Process June 2021. Collection method: clinical testing. Allele origin: germline. Affected: yes.
Comment: Not observed in large population cohorts (Lek et al., 2016); In silico analysis, which includes protein predictors and evolutionary conservation, supports a deleterious effect; Has not been previously published as pathogenic or benign to our knowledge